The following is an entry in ClinVar:

NM_002016.2(FLG):c.3840A>G (p.Ser1280=)

Genes: CCDST (cervical cancer associated DHX9 suppressive transcript; plus strand), FLG (filaggrin; minus strand). Cytogenetic location: 1q21.3.
Variant type: single nucleotide variant.
Coding change: c.3840A>G on transcript NM_002016.2 (MANE Select); coding-DNA position 3840, A replaced by G.
Protein change: p.Ser1280=; no amino-acid change (serine 1280 retained).
Molecular consequence: synonymous variant.
Genome position (GRCh38, 1-based): chr1:152,311,046, T>C on the plus strand (A>G on the coding strand, the complement: FLG is on the minus strand). VCF-style: chr1-152311046-T-C. GRCh37 (hg19) VCF-style: chr1-152283522-T-C.
Identifiers: ClinVar variation 5039674 (VCV005039674.1).

ClinVar aggregate classification (germline): Likely benign (1 of 4 stars; one submission).

gnomAD v4.1: 23 of 1,613,866 alleles (0.0014%); highest among the groups gnomAD compares: Non-Finnish European, 0.0018%; no homozygotes.

Submission:

CeGaT Center for Human Genetics Tuebingen
Classification: Likely benign. Last evaluated: 2026-07-01. Review status: criteria provided, single submitter. Criteria: CeGaT Center For Human Genetics Tuebingen Variant Classification Criteria Version 2. Collection method: clinical testing. Allele origin: germline. Affected: yes. Observed: 1 variant allele.
Comment: FLG: BP4, BP7